The following is an entry in ClinVar:

ClinVar aggregate classification (germline): Conflicting classifications of pathogenicity. Review status: criteria provided, conflicting classifications (1 of 4 stars). 2 submissions from 2 submitters: Uncertain significance (1); Likely benign (1). Last evaluated 2026-01-11.

Conditions:
Cardiovascular phenotype. Identifiers: MedGen CN230736.
Hereditary hemorrhagic telangiectasia (HHT). Also called: Osler hemorrhagic telangiectasia syndrome; ORW DISEASE; Osler Weber Rendu syndrome; OSLER-RENDU-WEBER DISEASE. Identifiers: Orphanet 774, MedGen C0039445, MONDO:0019180. Disease mechanism: loss of function.

Allele frequency attached by ClinVar (database versions not stated): gnomAD exomes below 0.00001 and 0.00001; TOPMed 0.00001; gnomAD 0.00003.
gnomAD v4.1: 13 of 1,613,964 alleles (0.00081%); highest among the groups gnomAD compares: African/African-American, 0.0013%; no homozygotes.

Submissions (2):

Ambry Genetics
Classification: Uncertain significance for Cardiovascular phenotype. Last evaluated: 2026-01-11. Review status: criteria provided, single submitter. Criteria: Ambry Variant Classification Scheme 2023. Collection method: clinical testing. Allele origin: germline.
Comment: The p.T81N variant (also known as c.242C>A), located in coding exon 3 of the ENG gene, results from a C to A substitution at nucleotide position 242. The threonine at codon 81 is replaced by asparagine, an amino acid with similar properties. This amino acid position is conserved. In addition, this alteration is predicted to be tolerated by in silico analysis. Based on the available evidence, the clinical significance of this variant remains unclear.

Labcorp Genetics (formerly Invitae), Labcorp
Classification: Likely benign for Hereditary hemorrhagic telangiectasia. Last evaluated: 2022-06-27. Review status: criteria provided, single submitter. Criteria: Invitae Variant Classification Sherloc (09022015). Collection method: clinical testing. Allele origin: germline.

NM_001114753.3(ENG):c.242C>A (p.Thr81Asn)

Gene: ENG (endoglin; minus strand). Cytogenetic location: 9q34.11.
Variant type: single nucleotide variant.
Coding change: c.242C>A on transcript NM_001114753.3 (MANE Select); coding-DNA position 242, C replaced by A.
Protein change: p.Thr81Asn; replaces threonine 81 with asparagine.
Molecular consequence: missense variant. On other transcripts: 5 prime UTR variant (1).
Genome position (GRCh38, 1-based): chr9:127,829,805, G>T on the plus strand (C>A on the coding strand, the complement: ENG is on the minus strand). VCF-style: chr9-127829805-G-T. GRCh37 (hg19) VCF-style: chr9-130592084-G-T.
Other names: c.242C>A (NM_001114753.1); c.242C>A, p.Thr81Asn (NM_000118.4, NM_001406715.1); c.-305C>A (NM_001278138.2); short protein forms T81N.
Identifiers: ClinVar variation 999034 (VCV000999034.11), dbSNP rs1413416433, ClinGen allele CA374986366.